The following is an entry in ClinVar:

NM_001365951.3(KIF1B):c.865-4G>T

Gene: KIF1B (kinesin family member 1B; plus strand). Cytogenetic location: 1p36.22.
Variant type: single nucleotide variant.
Coding change: c.865-4G>T on transcript NM_001365951.3 (MANE Select); 4 bases into the intron before coding-DNA position 865, G replaced by T.
Molecular consequence: intron variant.
Genome position (GRCh38, 1-based): chr1:10,273,010, G>T. VCF-style: chr1-10273010-G-T. GRCh37 (hg19) VCF-style: chr1-10333068-G-T.
Other names: c.864+704G>T (NM_183416.4, NM_015074.3, NM_001365953.1); c.865-4G>T (NM_001365952.1).
Identifiers: ClinVar variation 3037287 (VCV003037287.2), dbSNP rs77572584, ClinGen allele CA580820.
Genomic context (GRCh38, chr1:10,273,010, plus strand): 5'-TAATTTTCTACTTGGAGGCTTATCCTGTGTTCTTATTTTCTCCTTTAAATGCTTTCACCT[G>T]TAGGATAACTGCACTAGCAAGGTACAGTGGGGATTGGTAGAGATAAACTAGAATTGACTT-3'

ClinVar aggregate classification (germline): Benign (0 of 4 stars; one submission).

Conditions:
KIF1B-related disorder. Also called: KIF1B-related condition.

Allele frequency attached by ClinVar (database versions not stated): ExAC 0.00098; gnomAD 0.00198; TOPMed 0.00208; 1000 Genomes Project 30x 0.00999; 1000 Genomes Project 0.01138.
gnomAD v4.1: 1,882 of 1,546,170 alleles (0.12%); highest among the groups gnomAD compares: East Asian, 3.9%; 44 homozygotes.

Submission:

PreventionGenetics, part of Exact Sciences
Classification: Benign for KIF1B-related condition. Last evaluated: 2019-02-20. Review status: no assertion criteria provided. Collection method: clinical testing. Allele origin: germline.
Comment: This variant is classified as benign based on ACMG/AMP sequence variant interpretation guidelines (Richards et al. 2015 PMID: 25741868, with internal and published modifications).